The following is an entry in ClinVar:

NM_015335.5(MED13L):c.450C>G (p.Tyr150Ter)

Gene: MED13L (mediator complex subunit 13L; minus strand). Cytogenetic location: 12q24.21.
Variant type: single nucleotide variant.
Coding change: c.450C>G on transcript NM_015335.5 (MANE Select); coding-DNA position 450, C replaced by G.
Protein change: p.Tyr150Ter; replaces tyrosine 150 with a stop codon.
Molecular consequence: nonsense.
Genome position (GRCh38, 1-based): chr12:116,096,698, G>C on the plus strand (C>G on the coding strand, the complement: MED13L is on the minus strand). VCF-style: chr12-116096698-G-C. GRCh37 (hg19) VCF-style: chr12-116534503-G-C.
Other names: short protein forms Y150*.
Identifiers: ClinVar variation 4292597 (VCV004292597.1).

ClinVar aggregate classification (germline): Likely pathogenic (1 of 4 stars; one submission).

Conditions:
Cardiac anomalies - developmental delay - facial dysmorphism syndrome (MRFACD). Also called: Impaired intellectual development and distinctive facial features with or without cardiac defects; MED13L Syndrome. Identifiers: Orphanet 369891, MedGen C5192431, MONDO:0014773, OMIM 616789.

Submission:

3billion
Classification: Likely pathogenic for Cardiac anomalies - developmental delay - facial dysmorphism syndrome. Last evaluated: 2025-01-24. Review status: criteria provided, single submitter. Criteria: ACMG Guidelines, 2015. Collection method: clinical testing. Allele origin: germline. Affected: yes.
Comment: The variant is not observed in the gnomAD v4.1.0 dataset. Predicted Consequence/Location: Stop-gained (nonsense): predicted to result in a loss or disruption of normal protein function through nonsense-mediated decay (NMD) or protein truncation. Multiple pathogenic variants are reported downstream of the variant. Therefore, this variant is classified as Likely pathogenic according to the recommendation of ACMG/AMP guideline.